The following is an entry in ClinVar:

ClinVar aggregate classification (germline): Likely pathogenic (1 of 4 stars; one submission).

Conditions:
Kabuki syndrome. Also called: NIIKAWA-KUROKI SYNDROME; Kabuki make-up syndrome. Identifiers: Orphanet 2322, MedGen C0796004, MONDO:0016512.

Submission:

Labcorp Genetics (formerly Invitae), Labcorp
Classification: Likely pathogenic for Kabuki syndrome. Last evaluated: 2022-09-07. Review status: criteria provided, single submitter. Criteria: Invitae Variant Classification Sherloc (09022015). Collection method: clinical testing. Allele origin: germline.
Comment: This variant is not present in population databases (gnomAD no frequency). In summary, the currently available evidence indicates that the variant is pathogenic, but additional data are needed to prove that conclusively. Therefore, this variant has been classified as Likely Pathogenic. This variant disrupts the p.Arg1423 amino acid residue in KMT2D. Other variant(s) that disrupt this residue have been observed in individuals with KMT2D-related conditions (PMID: 23913813, 31363182; Invitae), which suggests that this may be a clinically significant amino acid residue. Advanced modeling of protein sequence and biophysical properties (such as structural, functional, and spatial information, amino acid conservation, physicochemical variation, residue mobility, and thermodynamic stability) performed at Invitae indicates that this missense variant is expected to disrupt KMT2D protein function. This missense change has been observed in individual(s) with clinical features of Kabuki syndrome (Invitae). This sequence change replaces arginine, which is basic and polar, with serine, which is neutral and polar, at codon 1423 of the KMT2D protein (p.Arg1423Ser).

Literature cited by the submitters: PubMed 23913813; PubMed 31363182.

NM_003482.4(KMT2D):c.4267C>A (p.Arg1423Ser)

Gene: KMT2D (lysine methyltransferase 2D; minus strand). Cytogenetic location: 12q13.12.
Variant type: single nucleotide variant.
Coding change: c.4267C>A on transcript NM_003482.4 (MANE Select); coding-DNA position 4267, C replaced by A.
Protein change: p.Arg1423Ser; replaces arginine 1423 with serine.
Molecular consequence: missense variant.
Genome position (GRCh38, 1-based): chr12:49,046,760, G>T on the plus strand (C>A on the coding strand, the complement: KMT2D is on the minus strand). VCF-style: chr12-49046760-G-T. GRCh37 (hg19) VCF-style: chr12-49440543-G-T.
Other names: short protein forms R1423S.
Identifiers: ClinVar variation 2026028 (VCV002026028.4), dbSNP rs2498430538, ClinGen allele CA384647540.